The following is an entry in ClinVar:

ClinVar aggregate classification (germline): Uncertain significance. Review status: criteria provided, multiple submitters, no conflicts (2 of 4 stars). 2 submissions from 2 submitters: Uncertain significance (2). Last evaluated 2025-06-29.

Conditions:
Inborn genetic diseases. Identifiers: MedGen C0950123, MeSH D030342.

Allele frequency attached by ClinVar (database versions not stated): TOPMed below 0.00001; gnomAD 0.00001.
gnomAD v4.1: 16 of 1,614,078 alleles (0.00099%); highest among the groups gnomAD compares: Non-Finnish European, 0.0013%; no homozygotes.

Submissions (2):

Ambry Genetics
Classification: Uncertain significance for Inborn genetic diseases. Last evaluated: 2025-06-29. Review status: criteria provided, single submitter. Criteria: Ambry Variant Classification Scheme 2023. Collection method: clinical testing. Allele origin: germline.

Labcorp Genetics (formerly Invitae), Labcorp
Classification: Uncertain significance. Last evaluated: 2023-03-10. Review status: criteria provided, single submitter. Criteria: Invitae Variant Classification Sherloc (09022015). Collection method: clinical testing. Allele origin: germline.
Comment: In summary, the available evidence is currently insufficient to determine the role of this variant in disease. Therefore, it has been classified as a Variant of Uncertain Significance. Algorithms developed to predict the effect of missense changes on protein structure and function output the following: SIFT: "Not Available"; PolyPhen-2: "Benign"; Align-GVGD: "Not Available". The arginine amino acid residue is found in multiple mammalian species, which suggests that this missense change does not adversely affect protein function. This variant has not been reported in the literature in individuals affected with ALX3-related conditions. This variant is present in population databases (rs766497153, gnomAD 0.003%). This sequence change replaces serine, which is neutral and polar, with arginine, which is basic and polar, at codon 131 of the ALX3 protein (p.Ser131Arg).

NM_006492.3(ALX3):c.393C>G (p.Ser131Arg)

Gene: ALX3 (ALX homeobox 3; minus strand). Cytogenetic location: 1p13.3.
Variant type: single nucleotide variant.
Coding change: c.393C>G on transcript NM_006492.3 (MANE Select); coding-DNA position 393, C replaced by G.
Protein change: p.Ser131Arg; replaces serine 131 with arginine.
Molecular consequence: missense variant.
Genome position (GRCh38, 1-based): chr1:110,064,788, G>C on the plus strand (C>G on the coding strand, the complement: ALX3 is on the minus strand). VCF-style: chr1-110064788-G-C. GRCh37 (hg19) VCF-style: chr1-110607410-G-C.
Other names: c.393C>G (NM_006492.2); short protein forms S131R.
Identifiers: ClinVar variation 2973677 (VCV002973677.4), dbSNP rs766497153, ClinGen allele CA997603.